The following is an entry in ClinVar:

NM_015915.5(ATL1):c.473G>T (p.Arg158Ile)

Gene: ATL1 (atlastin GTPase 1; plus strand). Cytogenetic location: 14q22.1.
Variant type: single nucleotide variant.
Coding change: c.473G>T on transcript NM_015915.5 (MANE Select); coding-DNA position 473, G replaced by T.
Protein change: p.Arg158Ile; replaces arginine 158 with isoleucine.
Molecular consequence: missense variant.
Genome position (GRCh38, 1-based): chr14:50,591,590, G>T. VCF-style: chr14-50591590-G-T. GRCh37 (hg19) VCF-style: chr14-51058308-G-T.
Other names: c.473G>T, p.Arg158Ile (NM_001127713.1, NM_181598.4); short protein forms R158I.
Identifiers: ClinVar variation 936030 (VCV000936030.9), dbSNP rs2039158855, ClinGen allele CA389667443.

ClinVar aggregate classification (germline): Uncertain significance (1 of 4 stars; one submission).

Conditions:
Hereditary spastic paraplegia 3A (SPG3A). Also called: SPASTIC PARAPLEGIA 3, AUTOSOMAL DOMINANT; FAMILIAL SPASTIC PARAPLEGIA, AUTOSOMAL DOMINANT, 1; SPG3; STRUMPELL DISEASE; Spastic Paraplegia 3A; Spastic paraplegia 3A, autosomal dominant. Identifiers: Orphanet 100984, MedGen C2931355, MONDO:0008437, OMIM 182600.

Submission:

Labcorp Genetics (formerly Invitae), Labcorp
Classification: Uncertain significance for Hereditary spastic paraplegia 3A. Last evaluated: 2022-09-26. Review status: criteria provided, single submitter. Criteria: Invitae Variant Classification Sherloc (09022015). Collection method: clinical testing. Allele origin: germline.
Comment: This sequence change replaces arginine, which is basic and polar, with isoleucine, which is neutral and non-polar, at codon 158 of the ATL1 protein (p.Arg158Ile). This variant is not present in population databases (gnomAD no frequency). This variant has not been reported in the literature in individuals affected with ATL1-related conditions. ClinVar contains an entry for this variant (Variation ID: 936030). Advanced modeling of protein sequence and biophysical properties (such as structural, functional, and spatial information, amino acid conservation, physicochemical variation, residue mobility, and thermodynamic stability) performed at Invitae indicates that this missense variant is expected to disrupt ATL1 protein function. In summary, the available evidence is currently insufficient to determine the role of this variant in disease. Therefore, it has been classified as a Variant of Uncertain Significance.